The following is an entry in ClinVar:

ClinVar aggregate classification (germline): Uncertain significance (1 of 4 stars; one submission).

Conditions:
Cardiovascular phenotype. Identifiers: MedGen CN230736.

Submission:

Ambry Genetics
Classification: Uncertain significance for Cardiovascular phenotype. Last evaluated: 2025-11-10. Review status: criteria provided, single submitter. Criteria: Ambry Variant Classification Scheme 2023. Collection method: clinical testing. Allele origin: germline.
Comment: The p.A1768V variant (also known as c.5303C>T), located in coding exon 27 of the SCN10A gene, results from a C to T substitution at nucleotide position 5303. The alanine at codon 1768 is replaced by valine, an amino acid with similar properties. This amino acid position is conserved. In addition, this alteration is predicted to be deleterious by in silico analysis. Based on the available evidence, the clinical significance of this variant remains unclear.

NM_006514.4(SCN10A):c.5303C>T (p.Ala1768Val)

Gene: SCN10A (sodium voltage-gated channel alpha subunit 10; minus strand). Cytogenetic location: 3p22.2.
Variant type: single nucleotide variant.
Coding change: c.5303C>T on transcript NM_006514.4 (MANE Select); coding-DNA position 5303, C replaced by T.
Protein change: p.Ala1768Val; replaces alanine 1768 with valine.
Molecular consequence: missense variant.
Genome position (GRCh38, 1-based): chr3:38,697,917, G>A on the plus strand (C>T on the coding strand, the complement: SCN10A is on the minus strand). VCF-style: chr3-38697917-G-A. GRCh37 (hg19) VCF-style: chr3-38739408-G-A.
Other names: c.5300C>T, p.Ala1767Val (NM_001293306.2); c.5009C>T, p.Ala1670Val (NM_001293307.2); short protein forms A1767V, A1670V, A1768V.
Identifiers: ClinVar variation 4614891 (VCV004614891.1).